The following is an entry in ClinVar:

NM_001164508.2(NEB):c.24722C>T (p.Pro8241Leu)

Genes: NEB (nebulin; minus strand), RIF1 (replication timing regulatory factor 1; plus strand). Cytogenetic location: 2q23.3.
Variant type: single nucleotide variant.
Coding change: c.24722C>T on transcript NM_001164508.2 (MANE Select); coding-DNA position 24722, C replaced by T.
Protein change: p.Pro8241Leu; replaces proline 8241 with leucine.
Molecular consequence: missense variant.
Genome position (GRCh38, 1-based): chr2:151,493,396, G>A on the plus strand (C>T on the coding strand, the complement: NEB is on the minus strand). VCF-style: chr2-151493396-G-A. GRCh37 (hg19) VCF-style: chr2-152349910-G-A.
Other names: c.19154C>T, p.Pro6385Leu (NM_004543.5); c.24722C>T, p.Pro8241Leu (NM_001164507.2); c.24827C>T, p.Pro8276Leu (NM_001271208.2); short protein forms P6385L, P8241L, P8276L.
Identifiers: ClinVar variation 1421193 (VCV001421193.4), dbSNP rs2152851388, ClinGen allele CA348774755.
Genomic context (GRCh38, chr2:151,493,396, plus strand): 5'-TTAGTCCTAGAAAATACCGAGCTAATGTTTTCTTGGTTGCGCTTAGCTCTCTCCATCTCT[G>A]GAGTAACAGGTGTCGGAGTTGCTTTTCTCATGTTCTCTTTGTACAATACCTAGGGAAGCC-3'
Protein context (NP_001157980.2, residues 8231-8251): MRKATPTPVT[Pro8241Leu]EMERAKRNQE

ClinVar aggregate classification (germline): Uncertain significance (1 of 4 stars; one submission).

Conditions:
Nemaline myopathy 2 (NEM2). Also called: Nemaline myopathy 2, autosomal recessive. Identifiers: MedGen C1850569, MONDO:0009725, OMIM 256030.

Submission:

Labcorp Genetics (formerly Invitae), Labcorp
Classification: Uncertain significance for Nemaline myopathy 2. Last evaluated: 2021-09-11. Review status: criteria provided, single submitter. Criteria: Invitae Variant Classification Sherloc (09022015). Collection method: clinical testing. Allele origin: germline.
Comment: In summary, the available evidence is currently insufficient to determine the role of this variant in disease. Therefore, it has been classified as a Variant of Uncertain Significance. Algorithms developed to predict the effect of missense changes on protein structure and function are either unavailable or do not agree on the potential impact of this missense change (SIFT: "Deleterious"; PolyPhen-2: "Not Available"; Align-GVGD: "Class C0"). This variant has not been reported in the literature in individuals affected with NEB-related conditions. This variant is not present in population databases (ExAC no frequency). This sequence change replaces proline with leucine at codon 8276 of the NEB protein (p.Pro8276Leu). The proline residue is moderately conserved and there is a moderate physicochemical difference between proline and leucine.